The following is an entry in ClinVar:

NM_020975.6(RET):c.1124T>A (p.Leu375Gln)

Gene: RET (ret proto-oncogene; plus strand). Cytogenetic location: 10q11.21.
Variant type: single nucleotide variant.
Coding change: c.1124T>A on transcript NM_020975.6 (MANE Select); coding-DNA position 1124, T replaced by A.
Protein change: p.Leu375Gln; replaces leucine 375 with glutamine.
Molecular consequence: missense variant.
Genome position (GRCh38, 1-based): chr10:43,109,091, T>A. VCF-style: chr10-43109091-T-A. GRCh37 (hg19) VCF-style: chr10-43604539-T-A.
Other names: c.1124T>A, p.Leu375Gln (NM_000323.2, NM_001406743.1, NM_001406744.1 and 6 more transcripts); c.362T>A, p.Leu121Gln (NM_001355216.2); c.995T>A, p.Leu332Gln (NM_001406761.1, NM_001406762.1, NM_001406764.1 and 1 more transcripts); c.836T>A, p.Leu279Gln (NM_001406766.1, NM_001406767.1, NM_001406770.1); c.686T>A, p.Leu229Gln (NM_001406771.1, NM_001406773.1); c.398T>A, p.Leu133Gln (NM_001406775.1, NM_001406776.1, NM_001406777.1 and 1 more transcripts); c.134T>A, p.Leu45Gln (NM_001406784.1); short protein forms L375Q, L121Q, L279Q, L332Q, L133Q, L229Q, L45Q.
Identifiers: ClinVar variation 220574 (VCV000220574.35), dbSNP rs142338976, ClinGen allele CA031689.

ClinVar aggregate classification (germline): Conflicting classifications of pathogenicity. Review status: criteria provided, conflicting classifications (1 of 4 stars). 13 submissions from 13 submitters: Uncertain significance (3); Likely benign (9). 1 of the submissions does not count toward it. Last evaluated 2026-06-01.

Conditions:
RET-related disorder. Also called: RET-related disorders; RET-related condition; RET-related disease.
Hereditary cancer-predisposing syndrome. Also called: Tumor predisposition; Hereditary neoplastic syndrome; Neoplastic Syndromes, Hereditary; Hereditary Cancer Syndrome. Identifiers: Orphanet 140162, MedGen C0027672, MeSH D009386, MONDO:0015356.
Multiple endocrine neoplasia, type 2 (MEN2). Identifiers: Orphanet 653, MedGen C4048306, MONDO:0019003. Disease mechanism: gain of function.
Congenital central hypoventilation. Also called: Congenital Central Hypoventilation Syndrome. Identifiers: Orphanet 661, Orphanet 99803, MedGen C1275808, MONDO:0800031. Disease mechanism: gain of function.

Allele frequency attached by ClinVar (database versions not stated): gnomAD exomes 0.00005 and 0.00013; ExAC 0.00013; ESP Exome Variant Server 0.00038; gnomAD 0.00066 and 0.00073; TOPMed 0.00082.
gnomAD v4.1: 179 of 1,613,722 alleles (0.011%); highest among the groups gnomAD compares: African/African-American, 0.23%; no homozygotes.

Submissions (13):

CeGaT Center for Human Genetics Tuebingen
Classification: Likely benign. Last evaluated: 2026-06-01. Review status: criteria provided, single submitter. Criteria: CeGaT Center For Human Genetics Tuebingen Variant Classification Criteria Version 2. Collection method: clinical testing. Allele origin: germline. Affected: yes. Observed: 1 variant allele.
Comment: RET: BS1

Labcorp Genetics (formerly Invitae), Labcorp
Classification: Likely benign for Multiple endocrine neoplasia, type 2. Last evaluated: 2026-02-03. Review status: criteria provided, single submitter. Criteria: Invitae Variant Classification Sherloc (09022015). Collection method: clinical testing. Allele origin: germline.

Quest Diagnostics Nichols Institute San Juan Capistrano
Classification: Likely benign. Last evaluated: 2025-06-13. Review status: criteria provided, single submitter. Criteria: Quest Diagnostics criteria. Collection method: clinical testing. Allele origin: unknown.

All of Us Research Program, National Institutes of Health
Classification: Likely benign for Multiple endocrine neoplasia, type 2. Last evaluated: 2024-08-30. Review status: criteria provided, single submitter. Criteria: ACMG Guidelines, 2015. Collection method: clinical testing. Allele origin: germline. Inheritance: Autosomal dominant inheritance. Observed: 65 variant alleles, 65 heterozygotes.
Comment: This study involves interpretation of variants in research participants for the purpose of population health screening. Participant phenotype was not available at the time of variant classification. Additional details can be found in publication PMID: 35346344, PMCID: PMC8962531

Color Diagnostics, LLC DBA Color Health
Classification: Likely benign for Multiple endocrine neoplasia, type 2. Last evaluated: 2022-11-23. Review status: criteria provided, single submitter. Criteria: ACMG Guidelines, 2015. Collection method: clinical testing. Allele origin: germline.

Sema4
Classification: Uncertain significance for Hereditary cancer-predisposing syndrome. Last evaluated: 2021-07-15. Review status: criteria provided, single submitter. Criteria: Sema4 Curation Guidelines. Collection method: curation. Allele origin: germline.
Comment: The RET c.1124T>A (p.L375Q) variant has been reported in heterozygosity in several individuals with leukemia, brain, breast, or other type of cancer (PMID: 26580448, 29684080, 28873162). It was observed in 59/24946 chromosomes of the African/African American subpopulation, with no homozygotes, in the large and broad cohorts of the Genome Aggregation Database. The variant has been reported in ClinVar (Variation ID 220574). Functional studies have not been performed, and in silico predictions of the variant's effect on protein function are inconclusive. The evidence is insufficient to meet ACMG/AMP criteria for classifying the variant as benign or pathogenic. Thus, the clinical significance of this variant is currently uncertain.

Women's Health and Genetics/Laboratory Corporation of America, LabCorp
Classification: Likely benign. Last evaluated: 2021-06-21. Review status: criteria provided, single submitter. Criteria: LabCorp Variant Classification Summary - May 2015. Collection method: clinical testing. Allele origin: germline.
Comment: Variant summary: RET c.1124T>A (p.Leu375Gln) results in a non-conservative amino acid change located in the Tyrosine-protein kinase receptor Ret, cadherin like domain 3 (IPR040667) of the encoded protein sequence. Four of five in-silico tools predict a damaging effect of the variant on protein function. The variant allele was found at a frequency of 0.00013 in 250980 control chromosomes, predominantly at a frequency of 0.0019 within the African or African-American subpopulation in the gnomAD database. The observed variant frequency within African or African-American control individuals in the gnomAD database is approximately 51 fold of the estimated maximal expected allele frequency for a pathogenic variant in RET causing Multiple Endocrine Neoplasia Type 2 phenotype (3.7e-05), strongly suggesting that the variant is a benign polymorphism found primarily in populations of African or African-American origin. c.1124T>A has been reported in the literature as a VUS in settings of multigene cancer panel testing among individuals affected with a variety of cancers such as high grade glioma, T-cell ALL and in the TGCA cohort (example, Zhang_2018, Yehia_2018). These report(s) do not provide unequivocal conclusions about association of the variant with Multiple Endocrine Neoplasia Type 2. To our knowledge, no experimental evidence demonstrating an impact on protein function has been reported. Four clinical diagnostic laboratories have submitted clinical-significance assessments for this variant to ClinVar after 2014 without evidence for independent evaluation. Multiple laboratories reported the variant with conflicting assessments (likely benign, n=2; VUS, n=2). Based on the evidence outlined above, the variant was classified as likely benign.

Ambry Genetics
Classification: Likely benign for Hereditary cancer-predisposing syndrome. Last evaluated: 2020-07-15. Review status: criteria provided, single submitter. Criteria: Ambry Variant Classification Scheme 2023. Collection method: clinical testing. Allele origin: germline.

Baylor Genetics
Classification: Uncertain significance for Central hypoventilation syndrome, congenital, 1, with or without Hirschsprung disease. Last evaluated: 2018-11-18. Review status: criteria provided, single submitter. Criteria: ACMG Guidelines, 2015. Collection method: clinical testing. Allele origin: unknown. Affected: yes. Study: CSER-TexasKidsCanSeq.
Comment: This variant was determined to be of uncertain significance according to ACMG Guidelines, 2015 [PMID:25741868].

GeneDx
Classification: Likely benign. Last evaluated: 2018-10-19. Review status: criteria provided, single submitter. Criteria: GeneDx Variant Classification Process June 2021. Collection method: clinical testing. Allele origin: germline. Affected: yes.
Comment: This variant is associated with the following publications: (PMID: 28873162, 24336963)

Genetic Services Laboratory, University of Chicago
Classification: Likely benign. Last evaluated: 2018-04-25. Review status: criteria provided, single submitter. Criteria: ACMG Guidelines, 2015. Collection method: clinical testing. Allele origin: germline. Affected: no.

Eurofins Ntd Llc (ga)
Classification: Uncertain significance. Last evaluated: 2017-02-02. Review status: criteria provided, single submitter. Criteria: EGL Classification Definitions 2015. Collection method: clinical testing. Allele origin: germline. Observed: 1 variant allele, 1 heterozygote.

PreventionGenetics, part of Exact Sciences
Classification: Likely benign for RET-related condition. Last evaluated: 2019-05-22. Review status: no assertion criteria provided. Collection method: clinical testing. Allele origin: germline. Not counted in ClinVar's aggregate classification.
Comment: This variant is classified as likely benign based on ACMG/AMP sequence variant interpretation guidelines (Richards et al. 2015 PMID: 25741868, with internal and published modifications).

Literature cited by the submitters: PubMed 26580448 (cited by Sema4 and Women's Health and Genetics/Laboratory Corporation of America, LabCorp); PubMed 29684080 (cited by 3 submitters); PubMed 28873162 (cited by Sema4).